The following is an entry in ClinVar:

ClinVar aggregate classification (germline): Uncertain significance (1 of 4 stars; one submission).

Conditions:
Wilson disease (WND). Also called: Wilson's disease. Identifiers: Orphanet 905, MedGen C0019202, MONDO:0010200, OMIM 277900. Disease mechanism: loss of function.

Submission:

Labcorp Genetics (formerly Invitae), Labcorp
Classification: Uncertain significance for Wilson disease. Last evaluated: 2025-08-11. Review status: criteria provided, single submitter. Criteria: Invitae Variant Classification Sherloc (09022015). Collection method: clinical testing. Allele origin: germline.
Comment: This sequence change replaces serine, which is neutral and polar, with alanine, which is neutral and non-polar, at codon 653 of the ATP7B protein (p.Ser653Ala). This variant is not present in population databases (gnomAD no frequency). This variant has not been reported in the literature in individuals affected with ATP7B-related conditions. ClinVar contains an entry for this variant (Variation ID: 2163744). Invitae Evidence Modeling of protein sequence and biophysical properties (such as structural, functional, and spatial information, amino acid conservation, physicochemical variation, residue mobility, and thermodynamic stability) indicates that this missense variant is not expected to disrupt ATP7B protein function with a negative predictive value of 80%. Experimental studies have shown that this missense change does not substantially affect ATP7B function (PMID: 24706876). In summary, the available evidence is currently insufficient to determine the role of this variant in disease. Therefore, it has been classified as a Variant of Uncertain Significance.

Literature cited by the submitters: PubMed 24706876.

NM_000053.4(ATP7B):c.1957T>G (p.Ser653Ala)

Gene: ATP7B (ATPase copper transporting beta; minus strand). Cytogenetic location: 13q14.3.
Variant type: single nucleotide variant.
Coding change: c.1957T>G on transcript NM_000053.4 (MANE Select); coding-DNA position 1957, T replaced by G.
Protein change: p.Ser653Ala; replaces serine 653 with alanine.
Molecular consequence: missense variant. On other transcripts: intron variant (2).
Genome position (GRCh38, 1-based): chr13:51,960,312, A>C on the plus strand (T>G on the coding strand, the complement: ATP7B is on the minus strand). VCF-style: chr13-51960312-A-C. GRCh37 (hg19) VCF-style: chr13-52534448-A-C.
Other names: c.1624T>G, p.Ser542Ala (NM_001243182.2); c.1957T>G, p.Ser653Ala (NM_001330578.2, NM_001406511.1, NM_001406512.1 and 16 more transcripts); c.1924T>G, p.Ser642Ala (NM_001406514.1, NM_001406524.1); c.1861T>G, p.Ser621Ala (NM_001406517.1, NM_001406518.1, NM_001406530.1 and 1 more transcripts); c.1528T>G, p.Ser510Ala (NM_001406539.1); c.1870-2705T>G (NM_001005918.3); c.1870-1768T>G (NM_001330579.2); short protein forms S510A, S653A, S621A, S642A, S542A.
Identifiers: ClinVar variation 2163744 (VCV002163744.4), dbSNP rs2547725808, ClinGen allele CA388026083.